The following is an entry in ClinVar:

NM_007186.6(CEP250):c.3083T>C (p.Leu1028Pro)

Gene: CEP250 (centrosomal protein 250; plus strand). Cytogenetic location: 20q11.22.
Variant type: single nucleotide variant.
Coding change: c.3083T>C on transcript NM_007186.6 (MANE Select); coding-DNA position 3083, T replaced by C.
Protein change: p.Leu1028Pro; replaces leucine 1028 with proline.
Molecular consequence: missense variant.
Genome position (GRCh38, 1-based): chr20:35,494,573, T>C. VCF-style: chr20-35494573-T-C. GRCh37 (hg19) VCF-style: chr20-34082400-T-C.
Other names: c.1187T>C, p.Leu396Pro (NM_001318219.1); c.3083T>C (NM_007186.5); short protein forms L396P, L1028P.
Identifiers: ClinVar variation 1445109 (VCV001445109.6), dbSNP rs116895236, ClinGen allele CA9833376.

ClinVar aggregate classification (germline): Uncertain significance. Review status: criteria provided, multiple submitters, no conflicts (2 of 4 stars). 2 submissions from 2 submitters: Uncertain significance (2). Last evaluated 2026-04-20.

Conditions:
CEP250-related disorder. Also called: CEP250-related condition.

Allele frequency attached by ClinVar (database versions not stated): gnomAD exomes below 0.00001 and 0.00002; TOPMed below 0.00001; ExAC 0.00004; gnomAD 0.00004; 1000 Genomes Project 30x 0.00094; 1000 Genomes Project 0.00100.
gnomAD v4.1: 14 of 1,614,102 alleles (0.00087%); highest among the groups gnomAD compares: East Asian, 0.013%; no homozygotes.

Submissions (2):

PreventionGenetics, part of Exact Sciences
Classification: Uncertain significance for CEP250-related condition. Last evaluated: 2026-04-20. Review status: criteria provided, single submitter. Criteria: ACMG Guidelines, 2015. Collection method: clinical testing. Allele origin: germline.
Comment: The CEP250 c.3083T>C variant is predicted to result in the amino acid substitution p.Leu1028Pro. To our knowledge, this variant has not been reported in the literature. This variant is reported in 0.022% of alleles in individuals of East Asian descent in gnomAD. At this time, the clinical significance of this variant is uncertain due to the absence of conclusive functional and genetic evidence.

Labcorp Genetics (formerly Invitae), Labcorp
Classification: Uncertain significance. Last evaluated: 2022-07-01. Review status: criteria provided, single submitter. Criteria: Invitae Variant Classification Sherloc (09022015). Collection method: clinical testing. Allele origin: germline.
Comment: This sequence change replaces leucine, which is neutral and non-polar, with proline, which is neutral and non-polar, at codon 1028 of the CEP250 protein (p.Leu1028Pro). This variant is present in population databases (rs116895236, gnomAD 0.02%). This variant has not been reported in the literature in individuals affected with CEP250-related conditions. ClinVar contains an entry for this variant (Variation ID: 1445109). Algorithms developed to predict the effect of missense changes on protein structure and function are either unavailable or do not agree on the potential impact of this missense change (SIFT: "Not Available"; PolyPhen-2: "Possibly Damaging"; Align-GVGD: "Not Available"). In summary, the available evidence is currently insufficient to determine the role of this variant in disease. Therefore, it has been classified as a Variant of Uncertain Significance.